The following is an entry in ClinVar:

ClinVar aggregate classification (germline): Benign. Review status: criteria provided, multiple submitters, no conflicts (2 of 4 stars). 3 submissions from 2 submitters: Benign (3). Last evaluated 2018-01-12.

Conditions:
Orofacial cleft 6, susceptibility to (OFC6). Also called: CLEFT LIP WITH OR WITHOUT CLEFT PALATE, NONSYNDROMIC, 6. Identifiers: MedGen C1837213, MONDO:0012141, OMIM 608864.
Van der Woude syndrome 1. Also called: CLEFT LIP AND/OR PALATE WITH MUCOUS CYSTS OF LOWER LIP; van der Woude Syndrome (VWS). Identifiers: MedGen C4551864, MONDO:0007333, OMIM 119300.

Allele frequency attached by ClinVar (database versions not stated): 1000 Genomes Project 30x 0.00062; 1000 Genomes Project 0.00080; TOPMed 0.00309; gnomAD 0.00492.
gnomAD v4.1: 1,228 of 241,168 alleles (0.51%); highest among the groups gnomAD compares: Non-Finnish European, 0.66%; 8 homozygotes.

Submissions (3):

Illumina Laboratory Services, Illumina
Classification: Benign for Orofacial cleft 6, susceptibility to. Last evaluated: 2018-01-12. Review status: criteria provided, single submitter. Criteria: ICSL Variant Classification Criteria 13 December 2019. Collection method: clinical testing. Allele origin: germline.
Comment: This variant was observed in the ICSL laboratory as part of a predisposition screen in an ostensibly healthy population. It had not been previously curated by ICSL or reported in the Human Gene Mutation Database (HGMD: prior to June 1st, 2018), and was therefore a candidate for classification through an automated scoring system. Utilizing variant allele frequency, disease prevalence and penetrance estimates, and inheritance mode, an automated score was calculated to assess if this variant is too frequent to cause the disease. Based on the score and internal cut-off values, a variant classified as benign is not then subjected to further curation. The score for this variant resulted in a classification of benign for this disease.

Illumina Laboratory Services, Illumina
Classification: Benign for Van der Woude syndrome 1. Last evaluated: 2018-01-12. Review status: criteria provided, single submitter. Criteria: ICSL Variant Classification Criteria 13 December 2019. Collection method: clinical testing. Allele origin: germline.
Comment: the same text as in the submission from Illumina Laboratory Services, Illumina above.

Breakthrough Genomics
Classification: Benign. Review status: criteria provided, single submitter. Criteria: ACMG Guidelines, 2015. Collection method: not provided. Allele origin: germline. Inheritance: Autosomal dominant inheritance. Affected: yes.

NM_006147.4(IRF6):c.*411C>T

Gene: IRF6 (interferon regulatory factor 6; minus strand). Cytogenetic location: 1q32.2.
Variant type: single nucleotide variant.
Coding change: c.*411C>T on transcript NM_006147.4 (MANE Select); 411 bases downstream of the stop codon, C replaced by T.
Molecular consequence: 3 prime UTR variant.
Genome position (GRCh38, 1-based): chr1:209,788,009, G>A on the plus strand (C>T on the coding strand, the complement: IRF6 is on the minus strand). VCF-style: chr1-209788009-G-A. GRCh37 (hg19) VCF-style: chr1-209961354-G-A.
Other names: c.*411C>T (NM_001206696.2).
Identifiers: ClinVar variation 295200 (VCV000295200.6), dbSNP rs187379424, ClinGen allele CA10609025.